The following is an entry in ClinVar:

ClinVar aggregate classification (germline): Uncertain significance (1 of 4 stars; one submission).

Conditions:
Poirier-Bienvenu neurodevelopmental syndrome (POBINDS). Identifiers: Orphanet 689397, MedGen C5231482, MONDO:0032889, OMIM 618732.

Submission:

University of Washington Department of Laboratory Medicine, University of Washington
Classification: Uncertain significance for Poirier-Bienvenu neurodevelopmental syndrome. Last evaluated: 2023-03-10. Review status: criteria provided, single submitter. Criteria: ACMG Guidelines, 2015. Collection method: clinical testing. Allele origin: paternal. Affected: yes.
Comment: The p.Arg17His variant in the CSNK2B gene has not been previously reported in association with disease. This variant was absent from large population databases, including the Genome Aggregation Database. The CSNK2B gene has fewer missense variants in the general population than expected. A low rate of missense variation may suggest that this gene is intolerant to missense variation. The arginine amino acid at position 17 is highly evolutionarily conserved. Using ACMG guidelines, this variant was classified as a variant of uncertain significance (ACMG evidence codes used: PM2_supporting, PP2).

NM_001320.7(CSNK2B):c.50G>A (p.Arg17His)

Gene: CSNK2B (casein kinase 2 beta; plus strand). Cytogenetic location: 6p21.33.
Variant type: single nucleotide variant.
Coding change: c.50G>A on transcript NM_001320.7 (MANE Select); coding-DNA position 50, G replaced by A.
Protein change: p.Arg17His; replaces arginine 17 with histidine.
Molecular consequence: missense variant.
Genome position (GRCh38, 1-based): chr6:31,666,881, G>A. VCF-style: chr6-31666881-G-A. GRCh37 (hg19) VCF-style: chr6-31634658-G-A.
Other names: c.50G>A, p.Arg17His (NM_001282385.2); c.50G>A (NM_001320.6); short protein forms R17H.
Identifiers: ClinVar variation 3777202 (VCV003777202.1).
Genomic context (GRCh38, chr6:31,666,881, plus strand): 5'-CTGACGTGAAGATGAGCAGCTCAGAGGAGGTGTCCTGGATTTCCTGGTTCTGTGGGCTCC[G>A]TGGCAATGAATTCTTCTGTGAAGTGAGTTCTCTTCAACCTCCCTACTTGCCAGCTTCACA-3'
Protein context (NP_001311.3, residues 7-27): VSWISWFCGL[Arg17His]GNEFFCEVDE